The following is an entry in ClinVar:

NC_000005.9:g.(?_130494719)_(130500950_?)dup

Gene: HINT1 (histidine triad nucleotide binding protein 1; minus strand). Cytogenetic location: 5q23.3.
Variant type: Duplication.
Identifiers: ClinVar variation 3385174 (VCV003385174.1).

ClinVar aggregate classification (germline): Uncertain significance (1 of 4 stars; one submission).

Submission:

Women's Health and Genetics/Laboratory Corporation of America, LabCorp
Classification: Uncertain significance. Last evaluated: 2024-10-21. Review status: criteria provided, single submitter. Criteria: LabCorp Variant Classification Summary - May 2015. Collection method: clinical testing. Allele origin: germline.
Comment: Variant summary: The variant involves the duplication of exons 1-3 in the HINT1 gene. A presumed nomenclature of c.(?_-52)_(*421_?)dup has been designated for the purposes of this classification. This duplication includes the entire coding sequence of the gene. As exact breakpoints are unknown, it may extend beyond the annotated region of the gene, to include other flanking genes. The frequency of this variant in the general population could not be determined as the technology used for large population databases (ExAC, gnomAD, ESP, 1000G) cannot detect variants of this type. The available data on variant occurrences in the general population are insufficient to allow any conclusion about variant significance. To our knowledge, no occurrence of c.(?_-52)_(*421_?)dup in individuals affected with Autosomal Recessive Axonal Neuropathy With Neuromyotonia and no experimental evidence demonstrating its impact on protein function have been reported. ClinVar contains an entry for this variant (Variation ID: 646953). Based on the evidence outlined above, the variant was classified as uncertain significance.